The following is an entry in ClinVar:

NM_000390.4(CHM):c.1609G>C (p.Glu537Gln)

Gene: CHM (CHM Rab escort protein; minus strand). Cytogenetic location: Xq21.2.
Variant type: single nucleotide variant.
Coding change: c.1609G>C on transcript NM_000390.4 (MANE Select); coding-DNA position 1609, G replaced by C.
Protein change: p.Glu537Gln; replaces glutamic acid 537 with glutamine.
Molecular consequence: missense variant.
Genome position (GRCh38, 1-based): chrX:85,878,965, C>G on the plus strand (G>C on the coding strand, the complement: CHM is on the minus strand). VCF-style: chrX-85878965-C-G. GRCh37 (hg19) VCF-style: chrX-85133970-C-G.
Other names: c.1165G>C, p.Glu389Gln (NM_001320959.1, NM_001362517.1, NM_001362518.2 and 1 more transcripts); short protein forms E537Q, E389Q.
Identifiers: ClinVar variation 2769686 (VCV002769686.4), dbSNP rs2520027720, ClinGen allele CA413787475.

ClinVar aggregate classification (germline): Uncertain significance. Review status: criteria provided, multiple submitters, no conflicts (2 of 4 stars). 2 submissions from 2 submitters: Uncertain significance (2). Last evaluated 2023-10-17.

Submissions (2):

Labcorp Genetics (formerly Invitae), Labcorp
Classification: Uncertain significance. Last evaluated: 2023-10-17. Review status: criteria provided, single submitter. Criteria: Invitae Variant Classification Sherloc (09022015). Collection method: clinical testing. Allele origin: germline.
Comment: This sequence change replaces glutamic acid, which is acidic and polar, with glutamine, which is neutral and polar, at codon 537 of the CHM protein (p.Glu537Gln). This variant also falls at the last nucleotide of exon 13, which is part of the consensus splice site for this exon. This variant is not present in population databases (gnomAD no frequency). This variant has not been reported in the literature in individuals affected with CHM-related conditions. An algorithm developed to predict the effect of missense changes on protein structure and function (PolyPhen-2) suggests that this variant is likely to be disruptive. Variants that disrupt the consensus splice site are a relatively common cause of aberrant splicing (PMID: 17576681, 9536098). Algorithms developed to predict the effect of sequence changes on RNA splicing suggest that this variant may disrupt the consensus splice site. In summary, the available evidence is currently insufficient to determine the role of this variant in disease. Therefore, it has been classified as a Variant of Uncertain Significance.

Blueprint Genetics
Classification: Uncertain significance. Last evaluated: 2022-09-21. Review status: criteria provided, single submitter. Criteria: ACMG Guidelines, 2015. Collection method: clinical testing. Allele origin: germline.

Literature cited by the submitters: PubMed 17576681 (cited by Labcorp Genetics (formerly Invitae), Labcorp); PubMed 9536098 (cited by Labcorp Genetics (formerly Invitae), Labcorp).